The following is an entry in ClinVar:

ClinVar aggregate classification (germline): Uncertain significance. Review status: criteria provided, multiple submitters, no conflicts (2 of 4 stars). 3 submissions from 3 submitters: Uncertain significance (3). Last evaluated 2025-04-10.

Conditions:
Inborn genetic diseases. Identifiers: MedGen C0950123, MeSH D030342.
Charcot-Marie-Tooth disease type 2. Also called: Charcot-Marie-Tooth type 2. Identifiers: Orphanet 64746, MedGen C0270914, MONDO:0018993.

Allele frequency attached by ClinVar (database versions not stated): TOPMed 0.00001.
gnomAD v4.1: 49 of 1,614,064 alleles (0.003%); highest among the groups gnomAD compares: South Asian, 0.0077%; no homozygotes.

Submissions (3):

Ambry Genetics
Classification: Uncertain significance for Inborn genetic diseases. Last evaluated: 2025-04-10. Review status: criteria provided, single submitter. Criteria: Ambry Variant Classification Scheme 2023. Collection method: clinical testing. Allele origin: germline.

Labcorp Genetics (formerly Invitae), Labcorp
Classification: Uncertain significance for Charcot-Marie-Tooth disease type 2. Last evaluated: 2024-10-24. Review status: criteria provided, single submitter. Criteria: Invitae Variant Classification Sherloc (09022015). Collection method: clinical testing. Allele origin: germline.
Comment: This sequence change replaces valine, which is neutral and non-polar, with methionine, which is neutral and non-polar, at codon 516 of the AARS protein (p.Val516Met). This variant is present in population databases (rs143844046, gnomAD 0.01%). This variant has not been reported in the literature in individuals affected with AARS-related conditions. ClinVar contains an entry for this variant (Variation ID: 947633). Invitae Evidence Modeling of protein sequence and biophysical properties (such as structural, functional, and spatial information, amino acid conservation, physicochemical variation, residue mobility, and thermodynamic stability) has been performed for this missense variant. However, the output from this modeling did not meet the statistical confidence thresholds required to predict the impact of this variant on AARS protein function. In summary, the available evidence is currently insufficient to determine the role of this variant in disease. Therefore, it has been classified as a Variant of Uncertain Significance.

GeneDx
Classification: Uncertain significance. Last evaluated: 2024-01-24. Review status: criteria provided, single submitter. Criteria: GeneDx Variant Classification Process June 2021. Collection method: clinical testing. Allele origin: germline. Affected: yes.
Comment: In silico analysis supports that this missense variant has a deleterious effect on protein structure/function; Has not been previously published as pathogenic or benign to our knowledge; This variant is associated with the following publications: (PMID: 25817015)

NM_001605.3(AARS1):c.1546G>A (p.Val516Met)

Gene: AARS1 (alanyl-tRNA synthetase 1; minus strand). Cytogenetic location: 16q22.1.
Variant type: single nucleotide variant.
Coding change: c.1546G>A on transcript NM_001605.3 (MANE Select); coding-DNA position 1546, G replaced by A.
Protein change: p.Val516Met; replaces valine 516 with methionine.
Molecular consequence: missense variant.
Genome position (GRCh38, 1-based): chr16:70,262,471, C>T on the plus strand (G>A on the coding strand, the complement: AARS1 is on the minus strand). VCF-style: chr16-70262471-C-T. GRCh37 (hg19) VCF-style: chr16-70296374-C-T.
Other names: short protein forms V516M.
Identifiers: ClinVar variation 947633 (VCV000947633.13), dbSNP rs143844046, ClinGen allele CA8140759.